The following is an entry in ClinVar:

ClinVar aggregate classification (germline): Likely pathogenic (1 of 4 stars; one submission).

Submission:

GeneDx
Classification: Likely pathogenic. Last evaluated: 2024-11-21. Review status: criteria provided, single submitter. Criteria: GeneDx Variant Classification Process June 2021. Collection method: clinical testing. Allele origin: germline. Affected: yes.
Comment: Frameshift variant predicted to result in protein truncation or nonsense mediated decay in a gene for which loss of function is a known mechanism of disease; Not observed at significant frequency in large population cohorts (gnomAD); Has not been previously published as pathogenic or benign to our knowledge

NM_005445.4(SMC3):c.1779dup (p.Asp594fs)

Gene: SMC3 (structural maintenance of chromosomes 3; plus strand). Cytogenetic location: 10q25.2.
Variant type: Duplication.
Coding change: c.1779dup on transcript NM_005445.4 (MANE Select); coding-DNA position 1779, one base duplicated (A; older notation c.1779dupA).
Protein change: p.Asp594fs; shifts the reading frame from aspartic acid 594.
Molecular consequence: frameshift variant.
Genome position (GRCh38, 1-based): chr10:110,591,099, A duplicated. VCF-style (leftmost placement, unchanged base first): chr10-110591098-T-TA. GRCh37 (hg19) VCF-style: chr10-112350856-T-TA.
Other names: short protein forms D594fs.
Identifiers: ClinVar variation 3900448 (VCV003900448.1).